The following is an entry in ClinVar:

ClinVar aggregate classification (germline): Uncertain significance (1 of 4 stars; one submission).

Conditions:
Atrial fibrillation, familial, 18 (ATFB18). Identifiers: MedGen C4310636, MONDO:0015001, OMIM 617280.

gnomAD v4.1: 15 of 1,614,028 alleles (0.00093%); highest among the groups gnomAD compares: Non-Finnish European, 0.0013%; no homozygotes.

Submission:

Labcorp Genetics (formerly Invitae), Labcorp
Classification: Uncertain significance for Atrial fibrillation, familial, 18. Last evaluated: 2025-04-27. Review status: criteria provided, single submitter. Criteria: Invitae Variant Classification Sherloc (09022015). Collection method: clinical testing. Allele origin: germline.
Comment: This sequence change replaces glutamic acid, which is acidic and polar, with lysine, which is basic and polar, at codon 164 of the MYL4 protein (p.Glu164Lys). This variant is present in population databases (no rsID available, gnomAD 0.002%). This variant has not been reported in the literature in individuals affected with MYL4-related conditions. An algorithm developed to predict the effect of missense changes on protein structure and function (PolyPhen-2) suggests that this variant is likely to be tolerated. In summary, the available evidence is currently insufficient to determine the role of this variant in disease. Therefore, it has been classified as a Variant of Uncertain Significance.

NM_002476.2(MYL4):c.490G>A (p.Glu164Lys)

Gene: MYL4 (myosin light chain 4; plus strand). Cytogenetic location: 17q21.32.
Variant type: single nucleotide variant.
Coding change: c.490G>A on transcript NM_002476.2 (MANE Select); coding-DNA position 490, G replaced by A.
Protein change: p.Glu164Lys; replaces glutamic acid 164 with lysine.
Molecular consequence: missense variant.
Genome position (GRCh38, 1-based): chr17:47,222,382, G>A. VCF-style: chr17-47222382-G-A. GRCh37 (hg19) VCF-style: chr17-45299748-G-A.
Other names: c.490G>A, p.Glu164Lys (NM_001002841.2); short protein forms E164K.
Identifiers: ClinVar variation 4812087 (VCV004812087.1).
Genomic context (GRCh38, chr17:47,222,382, plus strand): 5'-CCAGTTCCTCCTTTGCCATCTGTAATTAAGAGCGCACCACCTCCCAAACCCACCGCAGGA[G>A]AGAAGATGACTGAGGCTGAAGTGGAGCAGCTGTTAGCTGGGCAAGAGGATGCCAATGGCT-3'
Protein context (NP_002467.1, residues 154-174): ELRHVLATLG[Glu164Lys]KMTEAEVEQL